The following is an entry in ClinVar:

ClinVar aggregate classification (germline): Uncertain significance (1 of 4 stars; one submission).

Submission:

Labcorp Genetics (formerly Invitae), Labcorp
Classification: Uncertain significance. Last evaluated: 2024-01-16. Review status: criteria provided, single submitter. Criteria: Invitae Variant Classification Sherloc (09022015). Collection method: clinical testing. Allele origin: germline.
Comment: This sequence change replaces serine, which is neutral and polar, with arginine, which is basic and polar, at codon 60 of the LRP5 protein (p.Ser60Arg). This variant is not present in population databases (gnomAD no frequency). This variant has not been reported in the literature in individuals affected with LRP5-related conditions. Advanced modeling of protein sequence and biophysical properties (such as structural, functional, and spatial information, amino acid conservation, physicochemical variation, residue mobility, and thermodynamic stability) performed at Invitae indicates that this missense variant is not expected to disrupt LRP5 protein function with a negative predictive value of 95%. In summary, the available evidence is currently insufficient to determine the role of this variant in disease. Therefore, it has been classified as a Variant of Uncertain Significance.

NM_002335.4(LRP5):c.180C>A (p.Ser60Arg)

Gene: LRP5 (LDL receptor related protein 5; plus strand). Cytogenetic location: 11q13.2.
Variant type: single nucleotide variant.
Coding change: c.180C>A on transcript NM_002335.4 (MANE Select); coding-DNA position 180, C replaced by A.
Protein change: p.Ser60Arg; replaces serine 60 with arginine.
Molecular consequence: missense variant. On other transcripts: 5 prime UTR variant (1).
Genome position (GRCh38, 1-based): chr11:68,347,935, C>A. VCF-style: chr11-68347935-C-A. GRCh37 (hg19) VCF-style: chr11-68115403-C-A.
Other names: c.-1586C>A (NM_001291902.2); short protein forms S60R.
Identifiers: ClinVar variation 2709713 (VCV002709713.3), dbSNP rs533073394, ClinGen allele CA381610226.